The following is an entry in ClinVar:

ClinVar aggregate classification (germline): Pathogenic. Review status: criteria provided, multiple submitters, no conflicts (2 of 4 stars). 8 submissions from 8 submitters: Pathogenic (7). 1 of the submissions does not count toward it. Last evaluated 2026-06-25.

Conditions:
Complex cortical dysplasia with other brain malformations 1. Identifiers: Orphanet 300570, MedGen C3808397, MONDO:0013541, OMIM 614039.
TUBB3-related disorder. Also called: TUBB3-related disorders; TUBB3-related condition.

Submissions (8):

GeneDx
Classification: Pathogenic. Last evaluated: 2026-06-25. Review status: criteria provided, single submitter. Criteria: GeneDx Variant Classification Process June 2021. Collection method: clinical testing. Allele origin: germline.
Comment: Published functional studies demonstrate a damaging effect: impaired ability to form heterodimers (PMID: 20829227); Not observed at significant frequency in large population cohorts (gnomAD); In silico analysis supports that this missense variant has a deleterious effect on protein structure/function; Missense variants in this gene are a common cause of disease and they are underrepresented in the general population; This variant is associated with the following publications: (PMID: 24860126, 26130693, 26934450, 37600020, 31226147, 32573066, 29382549, 32169460, 20829227, 26639658, 22591407, 40614697, 41581079, 41153399)

Victorian Clinical Genetics Services, Murdoch Childrens Research Institute
Classification: Pathogenic for Complex cortical dysplasia with other brain malformations 1. Last evaluated: 2026-04-08. Review status: criteria provided, single submitter. Criteria: ACMG Guidelines, 2015. Collection method: clinical testing. Allele origin: germline. Affected: yes.
Comment: This variant is classified as Pathogenic. Evidence in support of pathogenic classification: Variant is absent from gnomAD (v2, v3 and v4); This variant has strong previous evidence of pathogenicity in unrelated individuals. This variant has been classified as pathogenic by clinical laboratories in ClinVar; Other missense variant(s) comparable to the one identified in this case have moderate previous evidence for pathogenicity. p.(Glu205Gln) and p.(Glu205Ala) have both been classified as likely pathogenic by clinical laboratories in ClinVar; Missense variant in a region that is highly intolerant to missense variation (high constraint region in DECIPHER); Missense variant predicted to be damaging by in silico tool(s) or highly conserved with a major amino acid change. Additional information: Variant is predicted to result in a missense amino acid change from Glu to Lys; This variant is heterozygous; This gene is associated with autosomal dominant disease; Alternative amino acid change(s) at the same position are present in gnomAD (v4: 1 heterozygote(s), 0 homozygote(s)); Dominant negative is a known mechanism of disease in this gene and is associated with cortical dysplasia, complex, with other brain malformations 1 (MIM#614039) and fibrosis of extraocular muscles, congenital, 3A (MIM#600638) (PMID: 31219644); Inheritance information for this variant is not currently available in this individual.

PreventionGenetics, part of Exact Sciences
Classification: Pathogenic for TUBB3-related condition. Last evaluated: 2024-11-30. Review status: criteria provided, single submitter. Criteria: ACMG Guidelines, 2015. Collection method: clinical testing. Allele origin: germline.
Comment: The TUBB3 c.613G>A variant is predicted to result in the amino acid substitution p.Glu205Lys. This variant has been reported as a de novo or familial variant in individuals with TUBB3-related disorders and has been shown to segregate with disorder in four individuals within a family (Poirier et al. 2010. PubMed ID: 20829227). Functional studies demonstrated that this variant impairs the protein function (Poirier et al. 2010. PubMed ID: 20829227). This variant has not been reported in a large population database (gnomAD), indicating this variant is rare. Taken together, this variant is interpreted as pathogenic.

Labcorp Genetics (formerly Invitae), Labcorp
Classification: Pathogenic. Last evaluated: 2024-10-17. Review status: criteria provided, single submitter. Criteria: Invitae Variant Classification Sherloc (09022015). Collection method: clinical testing. Allele origin: germline.
Comment: This sequence change replaces glutamic acid, which is acidic and polar, with lysine, which is basic and polar, at codon 205 of the TUBB3 protein (p.Glu205Lys). This variant is not present in population databases (gnomAD no frequency). This missense change has been observed in individual(s) with TUBB3-related conditions (PMID: 20829227). In at least one individual the variant was observed to be de novo. It has also been observed to segregate with disease in related individuals. ClinVar contains an entry for this variant (Variation ID: 30274). Invitae Evidence Modeling of protein sequence and biophysical properties (such as structural, functional, and spatial information, amino acid conservation, physicochemical variation, residue mobility, and thermodynamic stability) indicates that this missense variant is expected to disrupt TUBB3 protein function with a positive predictive value of 80%. Experimental studies have shown that this missense change affects TUBB3 function (PMID: 20829227). For these reasons, this variant has been classified as Pathogenic.

Laboratory of Medical Genetics, National & Kapodistrian University of Athens
Classification: Pathogenic for Complex cortical dysplasia with other brain malformations 1. Last evaluated: 2022-07-25. Review status: criteria provided, single submitter. Criteria: ACMG Guidelines, 2015. Collection method: clinical testing. Allele origin: de novo. Affected: yes.
Comment: PS3, PM2, PM5, PP2, PP3, PP5

CeGaT Center for Human Genetics Tuebingen
Classification: Pathogenic. Last evaluated: 2016-12-01. Review status: criteria provided, single submitter. Criteria: CeGaT Center For Human Genetics Tuebingen Variant Classification Criteria Version 2. Collection method: clinical testing. Allele origin: germline. Affected: yes. Observed: 1 variant allele.

Genetic Services Laboratory, University of Chicago
Classification: Pathogenic for Cortical dysplasia, complex, with other brain malformations 1. Last evaluated: 2016-02-04. Review status: criteria provided, single submitter. Criteria: ACMG Guidelines, 2015. Collection method: clinical testing. Allele origin: germline. Affected: yes.

OMIM
Classification: Pathogenic for CORTICAL DYSPLASIA, COMPLEX, WITH OTHER BRAIN MALFORMATIONS 1. Last evaluated: 2010-11-15. Review status: no assertion criteria provided. Collection method: literature only. Allele origin: germline. Not counted in ClinVar's aggregate classification.

Literature cited by the submitters: PubMed 31219644 (cited by Victorian Clinical Genetics Services, Murdoch Childrens Research Institute); PubMed 20829227 (cited by Labcorp Genetics (formerly Invitae), Labcorp and OMIM).

NM_006086.4(TUBB3):c.613G>A (p.Glu205Lys)

Gene: TUBB3 (tubulin beta 3 class III; plus strand). Cytogenetic location: 16q24.3.
Variant type: single nucleotide variant.
Coding change: c.613G>A on transcript NM_006086.4 (MANE Select); coding-DNA position 613, G replaced by A.
Protein change: p.Glu205Lys; replaces glutamic acid 205 with lysine.
Molecular consequence: missense variant.
Genome position (GRCh38, 1-based): chr16:89,935,064, G>A. VCF-style: chr16-89935064-G-A. GRCh37 (hg19) VCF-style: chr16-90001472-G-A.
Other names: c.397G>A, p.Glu133Lys (NM_001197181.2); short protein forms E205K, E133K.
Identifiers: ClinVar variation 30274 (VCV000030274.56), dbSNP rs878853257, ClinGen allele CA10575549.